The following is an entry in ClinVar:

ClinVar aggregate classification (germline): Uncertain significance (1 of 4 stars; one submission).

Conditions:
Hereditary cancer-predisposing syndrome. Also called: Hereditary neoplastic syndrome; Neoplastic Syndromes, Hereditary; Tumor predisposition; Hereditary Cancer Syndrome. Identifiers: Orphanet 140162, MedGen C0027672, MeSH D009386, MONDO:0015356.

Submission:

Ambry Genetics
Classification: Uncertain significance for Hereditary cancer-predisposing syndrome. Last evaluated: 2021-11-06. Review status: criteria provided, single submitter. Criteria: Ambry Variant Classification Scheme 2023. Collection method: clinical testing. Allele origin: germline.
Comment: The p.L1989S variant (also known as c.5966T>C), located in coding exon 39 of the ATM gene, results from a T to C substitution at nucleotide position 5966. The leucine at codon 1989 is replaced by serine, an amino acid with dissimilar properties. This amino acid position is conserved. In addition, the in silico prediction for this alteration is inconclusive. Since supporting evidence is limited at this time, the clinical significance of this alteration remains unclear.

NM_000051.4(ATM):c.5966T>C (p.Leu1989Ser)

Genes: ATM (ATM serine/threonine kinase; plus strand), C11orf65 (chromosome 11 open reading frame 65; minus strand). Cytogenetic location: 11q22.3.
Variant type: single nucleotide variant.
Coding change: c.5966T>C on transcript NM_000051.4 (MANE Select); coding-DNA position 5966, T replaced by C.
Protein change: p.Leu1989Ser; replaces leucine 1989 with serine.
Molecular consequence: missense variant. On other transcripts: intron variant (2).
Genome position (GRCh38, 1-based): chr11:108,312,458, T>C. VCF-style: chr11-108312458-T-C. GRCh37 (hg19) VCF-style: chr11-108183185-T-C.
Other names: c.5966T>C, p.Leu1989Ser (NM_001351834.2); c.641-3387A>G (NM_001330368.2); c.*39-3387A>G (NM_001351110.2); short protein forms L1989S.
Identifiers: ClinVar variation 1750754 (VCV001750754.2), dbSNP rs1565493603, ClinGen allele CA382548724.